The following is an entry in ClinVar:

ClinVar aggregate classification (germline): Uncertain significance (1 of 4 stars; one submission).

Submission:

Women's Health and Genetics/Laboratory Corporation of America, LabCorp
Classification: Uncertain significance. Last evaluated: 2026-03-16. Review status: criteria provided, single submitter. Criteria: LabCorp Variant Classification Summary - May 2015. Collection method: clinical testing. Allele origin: germline.
Comment: Variant summary: VPS50 c.102+2T>G is located in a canonical splice-site and is predicted to affect mRNA splicing resulting in a significantly altered protein due to either exon skipping, shortening, or inclusion of intronic material. Variants that disrupt the consensus splice site are a relatively common cause of aberrant splicing, however current evidence is not sufficient to establish loss of function as a mechanism for disease. Several computational tools predict a significant impact on normal splicing: Four predict the variant abolishes a 5' splicing donor site. However, these predictions have yet to be confirmed by functional studies. The variant was absent in 251154 control chromosomes. The available data on variant occurrences in the general population are insufficient to allow any conclusion about variant significance. To our knowledge, no occurrence of c.102+2T>G in individuals affected with VPS50-related conditions and no experimental evidence demonstrating its impact on protein function have been reported. No submitters have cited clinical-significance assessments for this variant to ClinVar. Based on the evidence outlined above, the variant was classified as uncertain significance.

NM_017667.4(VPS50):c.102+2T>G

Gene: VPS50 (VPS50 subunit of EARP/GARPII complex; plus strand). Cytogenetic location: 7q21.2.
Variant type: single nucleotide variant.
Coding change: c.102+2T>G on transcript NM_017667.4 (MANE Select); the canonical splice donor site of the intron after coding-DNA position 102, T replaced by G.
Molecular consequence: splice donor variant.
Genome position (GRCh38, 1-based): chr7:93,239,936, T>G. VCF-style: chr7-93239936-T-G. GRCh37 (hg19) VCF-style: chr7-92869249-T-G.
Other names: c.-17+2T>G (NM_001257998.2); c.102+2T>G (NM_024553.3).
Identifiers: ClinVar variation 4847216 (VCV004847216.1).